The following is an entry in ClinVar:

NM_014727.3(KMT2B):c.3239T>C (p.Val1080Ala)

Gene: KMT2B (lysine methyltransferase 2B; plus strand). Cytogenetic location: 19q13.12.
Variant type: single nucleotide variant.
Coding change: c.3239T>C on transcript NM_014727.3 (MANE Select); coding-DNA position 3239, T replaced by C.
Protein change: p.Val1080Ala; replaces valine 1080 with alanine.
Molecular consequence: missense variant.
Genome position (GRCh38, 1-based): chr19:35,723,912, T>C. VCF-style: chr19-35723912-T-C. GRCh37 (hg19) VCF-style: chr19-36214813-T-C.
Other names: short protein forms V1080A.
Identifiers: ClinVar variation 2672754 (VCV002672754.23), dbSNP rs2146446437, ClinGen allele CA405404889.

ClinVar aggregate classification (germline): Uncertain significance (1 of 4 stars; one submission).

Submission:

CeGaT Center for Human Genetics Tuebingen
Classification: Uncertain significance. Last evaluated: 2023-11-01. Review status: criteria provided, single submitter. Criteria: CeGaT Center For Human Genetics Tuebingen Variant Classification Criteria Version 2. Collection method: clinical testing. Allele origin: germline. Affected: yes. Observed: 1 variant allele.
Comment: KMT2B: PM2, PP3